The following is an entry in ClinVar:

ClinVar aggregate classification (germline): Uncertain significance (1 of 4 stars; one submission).

Conditions:
Hereditary cancer-predisposing syndrome. Also called: Hereditary neoplastic syndrome; Neoplastic Syndromes, Hereditary; Tumor predisposition; Hereditary Cancer Syndrome. Identifiers: Orphanet 140162, MedGen C0027672, MeSH D009386, MONDO:0015356.

Submission:

Ambry Genetics
Classification: Uncertain significance for Hereditary cancer-predisposing syndrome. Last evaluated: 2025-08-27. Review status: criteria provided, single submitter. Criteria: Ambry Variant Classification Scheme 2023. Collection method: clinical testing. Allele origin: germline.
Comment: The p.S164T variant (also known as c.491G>C), located in coding exon 6 of the MUTYH gene, results from a G to C substitution at nucleotide position 491. The serine at codon 164 is replaced by threonine, an amino acid with similar properties. This amino acid position is conserved. In addition, this alteration is predicted to be tolerated by in silico analysis. Based on the available evidence, the clinical significance of this variant remains unclear.

NM_001048174.2(MUTYH):c.407G>C (p.Ser136Thr)

Gene: MUTYH (mutY DNA glycosylase; minus strand). Cytogenetic location: 1p34.1.
Variant type: single nucleotide variant.
Coding change: c.407G>C on transcript NM_001048174.2 (MANE Select); coding-DNA position 407, G replaced by C.
Protein change: p.Ser136Thr; replaces serine 136 with threonine.
Molecular consequence: missense variant. On other transcripts: intron variant (4), non-coding transcript variant (6).
Genome position (GRCh38, 1-based): chr1:45,332,931, C>G on the plus strand (G>C on the coding strand, the complement: MUTYH is on the minus strand). VCF-style: chr1-45332931-C-G. GRCh37 (hg19) VCF-style: chr1-45798603-C-G.
Other names: c.407G>C, p.Ser136Thr (NM_001048171.2, NM_001048173.2, NM_001407072.1 and 5 more transcripts); c.410G>C, p.Ser137Thr (NM_001048172.2, NM_001407071.1, NM_001407078.1 and 1 more transcripts); c.323G>C, p.Ser108Thr (NM_001407075.1); c.440G>C, p.Ser147Thr (NM_001407077.1, NM_001293191.2); c.62G>C, p.Ser21Thr (NM_001407082.1, NM_001350650.2, NM_001350651.2); c.449G>C, p.Ser150Thr (NM_001407083.1, NM_001407085.1); c.421-97G>C (NM_001407073.1); c.454-97G>C (NM_001407069.1); and 7 more; short protein forms S136T, S137T, S143T, S108T, S147T, S150T, S161T, S164T.
Identifiers: ClinVar variation 4113688 (VCV004113688.1).